The following is an entry in ClinVar:

NM_201253.3(CRB1):c.1856del (p.Gly619fs)

Gene: CRB1 (crumbs cell polarity complex component 1; plus strand). Cytogenetic location: 1q31.3.
Variant type: Deletion.
Coding change: c.1856del on transcript NM_201253.3 (MANE Select); coding-DNA position 1856, one base deleted (G; older notation c.1856delG).
Protein change: p.Gly619fs; shifts the reading frame from glycine 619.
Molecular consequence: frameshift variant. On other transcripts: non-coding transcript variant (1).
Genome position (GRCh38, 1-based): chr1:197,421,684, G deleted; the last of 3 consecutive G bases (chr1:197,421,682-197,421,684); deleting any one gives the same sequence. VCF-style (leftmost placement, unchanged base first): chr1-197421681-TG-T. GRCh37 (hg19) VCF-style: chr1-197390811-TG-T.
Other names: c.1520del, p.Gly507fs (NM_001193640.2); c.1649del, p.Gly550fs (NM_001257965.2); c.1856del, p.Gly619fs (NM_001257966.2); short protein forms G507fs, G550fs, G619fs.
Identifiers: ClinVar variation 1456936 (VCV001456936.6), dbSNP rs2125471177, ClinGen allele CA2573131442.

ClinVar aggregate classification (germline): Pathogenic (1 of 4 stars; one submission).

Conditions:
Leber congenital amaurosis 8 (LCA8). Identifiers: Orphanet 65, MedGen C3151202, MONDO:0013453, OMIM 613835.
Retinitis pigmentosa 12 (RP12). Also called: RP WITH OR WITHOUT PRESERVED PARAARTERIOLE RETINAL PIGMENT EPITHELIUM; RETINITIS PIGMENTOSA WITH OR WITHOUT PARAARTERIOLAR PRESERVATION OF RETINAL PIGMENT EPITHELIUM; RP WITH OR WITHOUT PPRPE. Identifiers: Orphanet 791, MedGen C1838647, MONDO:0010818, OMIM 600105.

Submission:

Labcorp Genetics (formerly Invitae), Labcorp
Classification: Pathogenic for Leber congenital amaurosis 8; Retinitis pigmentosa 12. Last evaluated: 2021-09-29. Review status: criteria provided, single submitter. Criteria: Invitae Variant Classification Sherloc (09022015). Collection method: clinical testing. Allele origin: germline.
Comment: For these reasons, this variant has been classified as Pathogenic. This variant has not been reported in the literature in individuals with CRB1-related conditions. This variant is not present in population databases (ExAC no frequency). This sequence change creates a premature translational stop signal (p.Gly619Glufs*2) in the CRB1 gene. It is expected to result in an absent or disrupted protein product. Loss-of-function variants in CRB1 are known to be pathogenic (PMID: 10508521, 22065545, 23379534, 25412400, 26957898, 28041643, 29391521).

Literature cited by the submitters: PubMed 10508521; PubMed 22065545; PubMed 23379534; PubMed 25412400; PubMed 26957898; PubMed 28041643; PubMed 29391521.